The following is an entry in ClinVar:

NM_032634.4(PIGO):c.839T>C (p.Met280Thr)

Gene: PIGO (phosphatidylinositol glycan anchor biosynthesis class O; minus strand). Cytogenetic location: 9p13.3.
Variant type: single nucleotide variant.
Coding change: c.839T>C on transcript NM_032634.4 (MANE Select); coding-DNA position 839, T replaced by C.
Protein change: p.Met280Thr; replaces methionine 280 with threonine.
Molecular consequence: missense variant.
Genome position (GRCh38, 1-based): chr9:35,093,521, A>G on the plus strand (T>C on the coding strand, the complement: PIGO is on the minus strand). VCF-style: chr9-35093521-A-G. GRCh37 (hg19) VCF-style: chr9-35093518-A-G.
Other names: c.839T>C, p.Met280Thr (NM_001201484.2, NM_152850.4); short protein forms M280T.
Identifiers: ClinVar variation 2662814 (VCV002662814.2), dbSNP rs1320520363, ClinGen allele CA373323379.
Genomic context (GRCh38, chr9:35,093,521, plus strand): 5'-AGAAAGAGAGCAGCTGAGACCTCCAGCTCACTGTCCCCTCCATGGTCTCCATTTGTGGTC[A>G]TCCCATGGTCCCCAGCCACTACCAGCAGTGTGTCATTCTCCAGACGCTCCACAAGTCCCC-3'
Protein context (NP_116023.2, residues 270-290): TLLVVAGDHG[Met280Thr]TTNGDHGGDS

ClinVar aggregate classification (germline): Likely pathogenic (1 of 4 stars; one submission).

Allele frequency attached by ClinVar (database versions not stated): gnomAD 0.00003; TOPMed 0.00005; gnomAD exomes 0.00001.

Submission:

GeneDx
Classification: Likely pathogenic. Last evaluated: 2026-02-14. Review status: criteria provided, single submitter. Criteria: GeneDx Variant Classification Process June 2021. Collection method: clinical testing. Allele origin: germline.
Comment: Reported with a second variant on the opposite allele (in trans) in a patient with typical features of PIGO-related GPI biosynthesis disorder and additional findings of intermittent hypoglycemia, hyperinsulinism, severe secretory diarrhea, osteopenia, and fracture (PMID: 37927489); Not observed at significant frequency in large population cohorts (gnomAD); In silico analysis supports that this missense variant has a deleterious effect on protein structure/function; This variant is associated with the following publications: (PMID: 37927489)